The following is an entry in ClinVar:

NM_001378211.1(SHOC1):c.-60T>A

Gene: SHOC1 (shortage in chiasmata 1; minus strand). Cytogenetic location: 9q31.3.
Variant type: single nucleotide variant.
Coding change: c.-60T>A on transcript NM_001378211.1 (MANE Select); 60 bases upstream of the start codon, T replaced by A.
Molecular consequence: 5 prime UTR variant. On other transcripts: non-coding transcript variant (1).
Genome position (GRCh38, 1-based): chr9:111,794,923, A>T on the plus strand (T>A on the coding strand, the complement: SHOC1 is on the minus strand). VCF-style: chr9-111794923-A-T. GRCh37 (hg19) VCF-style: chr9-114557203-A-T.
Identifiers: ClinVar variation 5039803 (VCV005039803.1).

ClinVar aggregate classification (germline): Uncertain significance (1 of 4 stars; one submission).

Submission:

CeGaT Center for Human Genetics Tuebingen
Classification: Uncertain significance. Last evaluated: 2026-08-01. Review status: criteria provided, single submitter. Criteria: CeGaT Center For Human Genetics Tuebingen Variant Classification Criteria Version 2. Collection method: clinical testing. Allele origin: germline. Affected: yes. Observed: 1 variant allele.
Comment: SHOC1: PM2